The following is an entry in ClinVar:

ClinVar aggregate classification (germline): Uncertain significance. Review status: criteria provided, multiple submitters, no conflicts (2 of 4 stars). 4 submissions from 4 submitters: Uncertain significance (4). Last evaluated 2025-11-16.

Conditions:
Familial adenomatous polyposis 1 (FAP1). Also called: POLYPOSIS, ADENOMATOUS INTESTINAL; FAMILIAL ADENOMATOUS POLYPOSIS 1, ATTENUATED. Identifiers: MedGen C2713442, MONDO:0021056, OMIM 175100. Disease mechanism: loss of function.
Hereditary cancer-predisposing syndrome. Also called: Hereditary Cancer Syndrome; Neoplastic Syndromes, Hereditary; Tumor predisposition; Hereditary neoplastic syndrome. Identifiers: Orphanet 140162, MedGen C0027672, MeSH D009386, MONDO:0015356.
Classic or attenuated familial adenomatous polyposis. Identifiers: MedGen CN372698, MONDO:0021057.

gnomAD v4.1: 1 of 1,613,622 alleles (0.000062%); highest among the groups gnomAD compares: South Asian, 0.0011%; no homozygotes.

Submissions (4):

Labcorp Genetics (formerly Invitae), Labcorp
Classification: Uncertain significance for Familial adenomatous polyposis 1. Last evaluated: 2025-11-16. Review status: criteria provided, single submitter. Criteria: Invitae Variant Classification Sherloc (09022015). Collection method: clinical testing. Allele origin: germline.
Comment: This sequence change replaces proline, which is neutral and non-polar, with arginine, which is basic and polar, at codon 1999 of the APC protein (p.Pro1999Arg). This variant is not present in population databases (gnomAD no frequency). This variant has not been reported in the literature in individuals affected with APC-related conditions. ClinVar contains an entry for this variant (Variation ID: 490325). Invitae Evidence Modeling of protein sequence and biophysical properties (such as structural, functional, and spatial information, amino acid conservation, physicochemical variation, residue mobility, and thermodynamic stability) indicates that this missense variant is not expected to disrupt APC protein function with a negative predictive value of 95%. In summary, the available evidence is currently insufficient to determine the role of this variant in disease. Therefore, it has been classified as a Variant of Uncertain Significance.

Ambry Genetics
Classification: Uncertain significance for Hereditary cancer-predisposing syndrome. Last evaluated: 2024-12-11. Review status: criteria provided, single submitter. Criteria: Ambry Variant Classification Scheme 2023. Collection method: clinical testing. Allele origin: germline.
Comment: The p.P1999R variant (also known as c.5996C>G), located in coding exon 15 of the APC gene, results from a C to G substitution at nucleotide position 5996. The proline at codon 1999 is replaced by arginine, an amino acid with dissimilar properties. This amino acid position is not well conserved in available vertebrate species. In addition, in silico predictors for this gene do not accurately predict pathogenicity. Missense alterations in APC are not a common cause of disease (Spier I et al. Genet Med. 2024 Feb;26(2):100992). Based on the available evidence, the clinical significance of this variant remains unclear.

Color Diagnostics, LLC DBA Color Health
Classification: Uncertain significance for Hereditary cancer-predisposing syndrome. Last evaluated: 2024-12-11. Review status: criteria provided, single submitter. Criteria: ACMG Guidelines, 2015. Collection method: clinical testing. Allele origin: germline.
Comment: This missense variant replaces proline with arginine at codon 1999 of the APC protein. Computational prediction suggests that this variant may not impact protein structure and function (internally defined REVEL score threshold <= 0.5, PMID: 27666373). To our knowledge, functional studies have not been reported for this variant. This variant has not been reported in individuals affected with APC-related disorders in the literature. This variant has not been identified in the general population by the Genome Aggregation Database (gnomAD). The available evidence is insufficient to determine the role of this variant in disease conclusively. Therefore, this variant is classified as a Variant of Uncertain Significance.

All of Us Research Program, National Institutes of Health
Classification: Uncertain significance for Classic or attenuated familial adenomatous polyposis. Last evaluated: 2023-02-10. Review status: criteria provided, single submitter. Criteria: ACMG Guidelines, 2015. Collection method: clinical testing. Allele origin: germline. Inheritance: Autosomal dominant inheritance. Observed: 1 variant allele, 1 heterozygote.
Comment: This missense variant replaces proline with arginine at codon 1999 of the APC protein. Computational prediction suggests that this variant may not impact protein structure and function (internally defined REVEL score threshold <= 0.5, PMID: 27666373). To our knowledge, functional studies have not been reported for this variant. This variant has not been reported in individuals affected with hereditary cancer in the literature. This variant has not been identified in the general population by the Genome Aggregation Database (gnomAD). The available evidence is insufficient to determine the role of this variant in disease conclusively. Therefore, this variant is classified as a Variant of Uncertain Significance.

This study involves interpretation of variants in research participants for the purpose of population health screening. Participant phenotype was not available at the time of variant classification. Additional details can be found in publication PMID: 35346344, PMCID: PMC8962531

NM_000038.6(APC):c.5996C>G (p.Pro1999Arg)

Gene: APC (APC regulator of Wnt signaling pathway; plus strand). Cytogenetic location: 5q22.2.
Variant type: single nucleotide variant.
Coding change: c.5996C>G on transcript NM_000038.6 (MANE Select); coding-DNA position 5996, C replaced by G.
Protein change: p.Pro1999Arg; replaces proline 1999 with arginine.
Molecular consequence: missense variant.
Genome position (GRCh38, 1-based): chr5:112,841,590, C>G. VCF-style: chr5-112841590-C-G. GRCh37 (hg19) VCF-style: chr5-112177287-C-G.
Other names: c.5996C>G, p.Pro1999Arg (NM_001127510.3, NM_001354895.2); c.5942C>G, p.Pro1981Arg (NM_001127511.3); c.6050C>G, p.Pro2017Arg (NM_001354896.2); c.6026C>G, p.Pro2009Arg (NM_001354897.2); c.5921C>G, p.Pro1974Arg (NM_001354898.2); c.5912C>G, p.Pro1971Arg (NM_001354899.2); c.5873C>G, p.Pro1958Arg (NM_001354900.2); c.5819C>G, p.Pro1940Arg (NM_001354901.2); and 5 more; short protein forms P1981R, P1999R, P1716R, P1873R, P1908R, P1971R, P1839R, P1940R.
Identifiers: ClinVar variation 490325 (VCV000490325.14), dbSNP rs1554087137, ClinGen allele CA16034457.
Genomic context (GRCh38, chr5:112,841,590, plus strand): 5'-ACAACAATAAAGAAAATGAACCTATCAAAGAGACTGAGCCCCCTGACTCACAGGGAGAAC[C>G]AAGTAAACCTCAAGCATCAGGCTATGCTCCTAAATCATTTCATGTTGAAGATACCCCAGT-3'
Protein context (NP_000029.2, residues 1989-2009): ETEPPDSQGE[Pro1999Arg]SKPQASGYAP